The following is an entry in ClinVar:

NM_001369.3(DNAH5):c.5135del (p.Leu1712fs)

Gene: DNAH5 (dynein axonemal heavy chain 5; minus strand). Cytogenetic location: 5p15.2.
Variant type: Deletion.
Coding change: c.5135del on transcript NM_001369.3 (MANE Select); coding-DNA position 5135, one base deleted (T; older notation c.5135delT).
Protein change: p.Leu1712fs; shifts the reading frame from leucine 1712.
Molecular consequence: frameshift variant.
Genome position (GRCh38, 1-based): chr5:13,844,973, A deleted on the plus strand (T on the coding strand, the reverse complement: DNAH5 is on the minus strand). VCF-style (leftmost placement, unchanged base first): chr5-13844972-CA-C. GRCh37 (hg19) VCF-style: chr5-13845081-CA-C.
Other names: short protein forms L1712fs.
Identifiers: ClinVar variation 2203576 (VCV002203576.4), dbSNP rs2546923353, ClinGen allele CA2580072039.

ClinVar aggregate classification (germline): Pathogenic (1 of 4 stars; one submission).

Conditions:
Primary ciliary dyskinesia. Also called: Ciliary dyskinesia. Identifiers: Orphanet 244, MedGen C0008780, MONDO:0016575, HP:0012265.

Allele frequency attached by ClinVar (database versions not stated): gnomAD exomes below 0.00001.

Submission:

Labcorp Genetics (formerly Invitae), Labcorp
Classification: Pathogenic for Primary ciliary dyskinesia. Last evaluated: 2022-04-07. Review status: criteria provided, single submitter. Criteria: Invitae Variant Classification Sherloc (09022015). Collection method: clinical testing. Allele origin: germline.
Comment: This sequence change creates a premature translational stop signal (p.Leu1712Argfs*15) in the DNAH5 gene. It is expected to result in an absent or disrupted protein product. Loss-of-function variants in DNAH5 are known to be pathogenic (PMID: 11788826, 16627867). This variant is not present in population databases (gnomAD no frequency). This variant has not been reported in the literature in individuals affected with DNAH5-related conditions. For these reasons, this variant has been classified as Pathogenic.

Literature cited by the submitters: PubMed 11788826; PubMed 16627867.